The following is an entry in ClinVar:

ClinVar aggregate classification (germline): Uncertain significance (1 of 4 stars; one submission).

Submission:

GeneDx
Classification: Uncertain significance. Last evaluated: 2024-07-15. Review status: criteria provided, single submitter. Criteria: GeneDx Variant Classification Process June 2021. Collection method: clinical testing. Allele origin: germline. Affected: yes.
Comment: Not observed at significant frequency in large population cohorts (gnomAD); In silico analysis indicates that this missense variant does not alter protein structure/function; Has not been previously published as pathogenic or benign to our knowledge

NM_181672.3(OGT):c.3041T>C (p.Met1014Thr)

Gene: OGT (O-linked N-acetylglucosamine (GlcNAc) transferase; plus strand). Cytogenetic location: Xq13.1.
Variant type: single nucleotide variant.
Coding change: c.3041T>C on transcript NM_181672.3 (MANE Select); coding-DNA position 3041, T replaced by C.
Protein change: p.Met1014Thr; replaces methionine 1014 with threonine.
Molecular consequence: missense variant.
Genome position (GRCh38, 1-based): chrX:71,573,694, T>C. VCF-style: chrX-71573694-T-C. GRCh37 (hg19) VCF-style: chrX-70793544-T-C.
Other names: c.3011T>C, p.Met1004Thr (NM_181673.3); short protein forms M1004T, M1014T.
Identifiers: ClinVar variation 3573807 (VCV003573807.1).